The following is an entry in ClinVar:

ClinVar aggregate classification (germline): Uncertain significance (1 of 4 stars; one submission).

Allele frequency attached by ClinVar (database versions not stated): ExAC 0.00002; gnomAD exomes 0.00003; TOPMed 0.00004; gnomAD 0.00005; ESP Exome Variant Server 0.00008.

Submission:

Labcorp Genetics (formerly Invitae), Labcorp
Classification: Uncertain significance. Last evaluated: 2024-11-04. Review status: criteria provided, single submitter. Criteria: Invitae Variant Classification Sherloc (09022015). Collection method: clinical testing. Allele origin: germline.
Comment: This sequence change replaces proline, which is neutral and non-polar, with leucine, which is neutral and non-polar, at codon 352 of the POLD2 protein (p.Pro352Leu). This variant is present in population databases (rs375200482, gnomAD 0.007%). This variant has not been reported in the literature in individuals affected with POLD2-related conditions. ClinVar contains an entry for this variant (Variation ID: 2176346). Experimental studies and prediction algorithms are not available or were not evaluated, and the functional significance of this variant is currently unknown. In summary, the available evidence is currently insufficient to determine the role of this variant in disease. Therefore, it has been classified as a Variant of Uncertain Significance.

NM_006230.4(POLD2):c.950C>T (p.Pro317Leu)

Gene: POLD2 (DNA polymerase delta 2, accessory subunit; minus strand). Cytogenetic location: 7p13.
Variant type: single nucleotide variant.
Coding change: c.950C>T on transcript NM_006230.4 (MANE Select); coding-DNA position 950, C replaced by T.
Protein change: p.Pro317Leu; replaces proline 317 with leucine.
Molecular consequence: missense variant.
Genome position (GRCh38, 1-based): chr7:44,116,184, G>A on the plus strand (C>T on the coding strand, the complement: POLD2 is on the minus strand). VCF-style: chr7-44116184-G-A. GRCh37 (hg19) VCF-style: chr7-44155783-G-A.
Other names: c.950C>T, p.Pro317Leu (NM_001127218.3, NM_001256879.2); short protein forms P317L.
Identifiers: ClinVar variation 2176346 (VCV002176346.4), dbSNP rs375200482, ClinGen allele CA4238676.